The following is an entry in ClinVar:

NM_001943.5(DSG2):c.650C>T (p.Thr217Ile)

Gene: DSG2 (desmoglein 2; plus strand). Cytogenetic location: 18q12.1.
Variant type: single nucleotide variant.
Coding change: c.650C>T on transcript NM_001943.5 (MANE Select); coding-DNA position 650, C replaced by T.
Protein change: p.Thr217Ile; replaces threonine 217 with isoleucine.
Molecular consequence: missense variant.
Genome position (GRCh38, 1-based): chr18:31,522,209, C>T. VCF-style: chr18-31522209-C-T. GRCh37 (hg19) VCF-style: chr18-29102172-C-T.
Other names: p.Thr217Ile; c.650C>T (LRG_397t1); short protein forms T217I.
Identifiers: ClinVar variation 419792 (VCV000419792.21), dbSNP rs776720174, ClinGen allele CA16620677.
Genomic context (GRCh38, chr18:31,522,209, plus strand): 5'-CCTATAGAATCGTATCTCTGGAGCCTGCTTATCCTCCAGTGTTCTACCTAAATAAAGATA[C>T]AGGAGAGATTTATACAACCAGTGTTACCTTGGACAGAGAGGTAAGTTAATATGTTATGTT-3'
Protein context (NP_001934.2, residues 207-227): YPPVFYLNKD[Thr217Ile]GEIYTTSVTL

ClinVar aggregate classification (germline): Uncertain significance. Review status: criteria provided, multiple submitters, no conflicts (2 of 4 stars). 5 submissions from 5 submitters: Uncertain significance (5). Last evaluated 2025-09-09.

Conditions:
Arrhythmogenic right ventricular cardiomyopathy (ARVD). Also called: Cardiomyopathy, ARVC; Arrhythmogenic right ventricular dysplasia; Arrhythmogenic cardiomyopathy; Arrhythmogenic Right Ventricular Cardiomyopathy (ARVC). Identifiers: Orphanet 247, MedGen C0349788, MeSH D019571, MONDO:0016587. Disease mechanism: loss of function. Inheritance: Various modes of inheritance.
Cardiomyopathy (CMYO). Also called: Cardiomyopathies. Identifiers: Orphanet 167848, MedGen C0878544, MONDO:0004994, HP:0001638. Inheritance: Various modes of inheritance.
Arrhythmogenic right ventricular dysplasia 10. Also called: Arrhythmogenic right ventricular dysplasia/cardiomyopathy, type 10; Arrhythmogenic Right Ventricular Dysplasia/Cardiomyopathy10; ARRHYTHMOGENIC RIGHT VENTRICULAR DYSPLASIA, FAMILIAL, 10. Identifiers: MedGen C1857777, MONDO:0012434, OMIM 610193.

gnomAD v4.1: 11 of 1,613,764 alleles (0.00068%); highest among the groups gnomAD compares: Middle Eastern, 0.12%; no homozygotes.

Submissions (5):

Color Diagnostics, LLC DBA Color Health
Classification: Uncertain significance for Cardiomyopathy. Last evaluated: 2025-09-09. Review status: criteria provided, single submitter. Criteria: ACMG Guidelines, 2015. Collection method: clinical testing. Allele origin: germline.
Comment: This missense variant replaces threonine with isoleucine at codon 217 of the DSG2 protein. Computational prediction suggests that this variant may not impact protein structure and function. To our knowledge, functional studies have not been reported for this variant. This variant has not been reported in individuals affected with DSG2-related disorders in the literature. This variant has been reported in an individual affected with recurrent cardiorespiratory arrest and other conditions, and in thirty four individuals without personal or family history of heart disease (PMID: 34428338). This variant has not been identified in the general population by the Genome Aggregation Database (gnomAD). The available evidence is insufficient to determine the role of this variant in disease conclusively. Therefore, this variant is classified as a Variant of Uncertain Significance.

Labcorp Genetics (formerly Invitae), Labcorp
Classification: Uncertain significance for Arrhythmogenic right ventricular dysplasia 10. Last evaluated: 2025-08-09. Review status: criteria provided, single submitter. Criteria: Invitae Variant Classification Sherloc (09022015). Collection method: clinical testing. Allele origin: germline.
Comment: This sequence change replaces threonine, which is neutral and polar, with isoleucine, which is neutral and non-polar, at codon 217 of the DSG2 protein (p.Thr217Ile). This variant is not present in population databases (gnomAD no frequency). This missense change has been observed in individual(s) with clinical features of DSG2-related conditions (PMID: 30919572, 34428338). ClinVar contains an entry for this variant (Variation ID: 419792). Invitae Evidence Modeling of protein sequence and biophysical properties (such as structural, functional, and spatial information, amino acid conservation, physicochemical variation, residue mobility, and thermodynamic stability) has been performed for this missense variant. However, the output from this modeling did not meet the statistical confidence thresholds required to predict the impact of this variant on DSG2 protein function. In summary, the available evidence is currently insufficient to determine the role of this variant in disease. Therefore, it has been classified as a Variant of Uncertain Significance.

All of Us Research Program, National Institutes of Health
Classification: Uncertain significance for Arrhythmogenic right ventricular cardiomyopathy. Last evaluated: 2023-05-08. Review status: criteria provided, single submitter. Criteria: ACMG Guidelines, 2015. Collection method: clinical testing. Allele origin: germline. Inheritance: Autosomal dominant inheritance. Observed: 1 variant allele, 1 heterozygote.
Comment: This missense variant replaces threonine with isoleucine at codon 217 of the DSG2 protein. Computational prediction suggests that this variant may not impact protein structure and function (internally defined REVEL score threshold <= 0.5, PMID: 27666373). To our knowledge, functional studies have not been reported for this variant. This variant has not been reported in individuals affected with cardiovascular disorders in the literature. This variant has been reported in an individual affected with recurrent cardiorespiratory arrest and other conditions, as well as in another thirty-four individuals without personal or family history of heart disease (PMID: 34428338). This variant has not been identified in the general population by the Genome Aggregation Database (gnomAD). The available evidence is insufficient to determine the role of this variant in disease conclusively. Therefore, this variant is classified as a Variant of Uncertain Significance.

This study involves interpretation of variants in research participants for the purpose of population health screening. Participant phenotype was not available at the time of variant classification. Additional details can be found in publication PMID: 35346344, PMCID: PMC8962531

GeneDx
Classification: Uncertain significance. Last evaluated: 2023-04-02. Review status: criteria provided, single submitter. Criteria: GeneDx Variant Classification Process June 2021. Collection method: clinical testing. Allele origin: germline. Affected: yes.
Comment: Identified in at least one patient with phacomatosis pigmentovascularis (PPV) in published literature (Al-Dewik et al., 2019; Sliepka et al., 2019); Not observed at significant frequency in large population cohorts (gnomAD); In silico analysis supports that this missense variant has a deleterious effect on protein structure/function; This variant is associated with the following publications: (PMID: 30919572, 31872050)

Mayo Clinic Laboratories, Mayo Clinic
Classification: Uncertain significance. Last evaluated: 2021-11-10. Review status: criteria provided, single submitter. Criteria: ACMG Guidelines, 2015. Collection method: clinical testing. Allele origin: germline.

Literature cited by the submitters: PubMed 34428338 (cited by 3 submitters); PubMed 30919572 (cited by Labcorp Genetics (formerly Invitae), Labcorp).